The following is an entry in ClinVar:

NM_033159.4(HYAL1):c.169G>A (p.Asp57Asn)

Gene: HYAL1 (hyaluronidase 1; minus strand). Cytogenetic location: 3p21.31.
Variant type: single nucleotide variant.
Coding change: c.169G>A on transcript NM_033159.4 (MANE Select); coding-DNA position 169, G replaced by A.
Protein change: p.Asp57Asn; replaces aspartic acid 57 with asparagine.
Molecular consequence: missense variant. On other transcripts: non-coding transcript variant (1), intron variant (2).
Genome position (GRCh38, 1-based): chr3:50,302,788, C>T on the plus strand (G>A on the coding strand, the complement: HYAL1 is on the minus strand). VCF-style: chr3-50302788-C-T. GRCh37 (hg19) VCF-style: chr3-50340219-C-T.
Other names: c.169G>A, p.Asp57Asn (NM_007312.3, NM_153281.2, NM_153282.3); c.-26-583G>A (NM_153285.3); c.-213-165G>A (NM_153283.3); short protein forms D57N.
Identifiers: ClinVar variation 2428440 (VCV002428440.3), dbSNP rs782673830, ClinGen allele CA2415999.

ClinVar aggregate classification (germline): Uncertain significance (1 of 4 stars; one submission).

Conditions:
Deficiency of hyaluronoglucosaminidase (MPS9). Also called: HYALURONIDASE DEFICIENCY; Mucopolysaccharidosis type 9; MPS IX. Identifiers: Orphanet 67041, MedGen C1291490, MONDO:0011093, OMIM 601492.

Allele frequency attached by ClinVar (database versions not stated): gnomAD exomes below 0.00001; ExAC 0.00001; TOPMed 0.00002.
gnomAD v4.1: 9 of 1,614,042 alleles (0.00056%); highest among the groups gnomAD compares: Middle Eastern, 0.016%; no homozygotes.

Submission:

Labcorp Genetics (formerly Invitae), Labcorp
Classification: Uncertain significance for Deficiency of hyaluronoglucosaminidase. Last evaluated: 2022-01-11. Review status: criteria provided, single submitter. Criteria: Invitae Variant Classification Sherloc (09022015). Collection method: clinical testing. Allele origin: germline.
Comment: This sequence change replaces aspartic acid, which is acidic and polar, with asparagine, which is neutral and polar, at codon 57 of the HYAL1 protein (p.Asp57Asn). This variant is present in population databases (rs782673830, gnomAD 0.0009%). This variant has not been reported in the literature in individuals affected with HYAL1-related conditions. Algorithms developed to predict the effect of missense changes on protein structure and function are either unavailable or do not agree on the potential impact of this missense change (SIFT: "Tolerated"; PolyPhen-2: "Possibly Damaging"; Align-GVGD: "Class C0"). In summary, the available evidence is currently insufficient to determine the role of this variant in disease. Therefore, it has been classified as a Variant of Uncertain Significance.